The following is an entry in ClinVar:

NM_058216.3(RAD51C):c.392A>T (p.Lys131Ile)

Gene: RAD51C (RAD51 paralog C; plus strand). Cytogenetic location: 17q22.
Variant type: single nucleotide variant.
Coding change: c.392A>T on transcript NM_058216.3 (MANE Select); coding-DNA position 392, A replaced by T.
Protein change: p.Lys131Ile; replaces lysine 131 with isoleucine.
Molecular consequence: missense variant. On other transcripts: non-coding transcript variant (2).
Genome position (GRCh38, 1-based): chr17:58,695,177, A>T. VCF-style: chr17-58695177-A-T. GRCh37 (hg19) VCF-style: chr17-56772538-A-T.
Other names: c.392A>T, p.Lys131Ile (NM_002876.4); c.392A>T (NM_058216.1); short protein forms K131I.
Identifiers: ClinVar variation 664529 (VCV000664529.11), dbSNP rs762761380, ClinGen allele CA400341996.

ClinVar aggregate classification (germline): Conflicting classifications of pathogenicity. Review status: criteria provided, conflicting classifications (1 of 4 stars). 4 submissions from 4 submitters: Likely pathogenic (2); Uncertain significance (2). Last evaluated 2025-10-22.

Conditions:
Hereditary cancer-predisposing syndrome. Also called: Neoplastic Syndromes, Hereditary; Hereditary neoplastic syndrome; Tumor predisposition; Hereditary Cancer Syndrome. Identifiers: Orphanet 140162, MedGen C0027672, MeSH D009386, MONDO:0015356.
Inherited breast cancer and ovarian cancer.
Breast-ovarian cancer, familial, susceptibility to, 3. Also called: RAD51C-Related Breast/Ovarian Cancer. Identifiers: Orphanet 145, MedGen C3150659, MONDO:0013253, OMIM 613399.
Fanconi anemia complementation group O. Also called: RAD51C-Related Fanconi Anemia. Identifiers: Orphanet 84, MedGen C3150653, MONDO:0013248, OMIM 613390.

gnomAD v4.1: 1 of 1,611,694 alleles (0.000062%); highest among the groups gnomAD compares: Non-Finnish European, 0.000085%; no homozygotes.

Submissions (4):

Ambry Genetics
Classification: Likely pathogenic for Hereditary cancer-predisposing syndrome. Last evaluated: 2025-10-22. Review status: criteria provided, single submitter. Criteria: Ambry Variant Classification Scheme 2023. Collection method: clinical testing. Allele origin: germline.
Comment: The p.K131I variant (also known as c.392A>T), located in coding exon 2 of the RAD51C gene, results from an A to T substitution at nucleotide position 392. The lysine at codon 131 is replaced by isoleucine, an amino acid with dissimilar properties. In multiple assays testing RAD51C function, this alteration showed an abnormal read-out. (Hu C et al. Cancer Res, 2023 Aug;83:2557-2571). Based on internal structural analysis, this variant is anticipated to disrupt a region of known function (Miller KA et al. Nucleic Acids Res, 2004 Jan;32:169-78; Greenhough LA et al. Nature, 2023 Jul;619:650-657). This amino acid position is highly conserved in available vertebrate species. In addition, this alteration is predicted to be deleterious by in silico analysis. This variant is considered to be rare based on population cohorts in the Genome Aggregation Database (gnomAD). Based on the majority of available evidence to date, this variant is likely to be pathogenic.

Genomics and Molecular Medicine Service, East Genomic Laboratory Hub, NHS Genomic Medicine Service
Classification: Uncertain significance for Inherited breast cancer and ovarian cancer. Last evaluated: 2024-09-18. Review status: criteria provided, single submitter. Criteria: ACGS Best Practice Guidelines for Variant Classification in Rare Disease 2020. Collection method: clinical testing. Allele origin: germline. Affected: yes.
Comment: PM2_Supporting,PP3

Myriad Genetics, Inc.
Classification: Likely pathogenic for Breast-ovarian cancer, familial, susceptibility to, 3. Last evaluated: 2024-02-09. Review status: criteria provided, single submitter. Criteria: Myriad Autosomal Dominant, Autosomal Recessive and X-Linked Classification Criteria (2023). Collection method: clinical testing. Allele origin: unknown.
Comment: This variant is considered likely pathogenic. Functional studies indicate this variant impacts protein function [PMID: 37253112]. This variant is expected to disrupt protein structure [Myriad internal data].

Labcorp Genetics (formerly Invitae), Labcorp
Classification: Uncertain significance for Fanconi anemia complementation group O. Last evaluated: 2018-07-14. Review status: criteria provided, single submitter. Criteria: Invitae Variant Classification Sherloc (09022015). Collection method: clinical testing. Allele origin: germline.
Comment: This sequence change replaces lysine with isoleucine at codon 131 of the RAD51C protein (p.Lys131Ile). The lysine residue is highly conserved and there is a moderate physicochemical difference between lysine and isoleucine. This variant is not present in population databases (ExAC no frequency). Algorithms developed to predict the effect of missense changes on protein structure and function (SIFT, PolyPhen-2, Align-GVGD) all suggest that this variant is likely to be disruptive, but these predictions have not been confirmed by published functional studies and their clinical significance is uncertain. In summary, the available evidence is currently insufficient to determine the role of this variant in disease. Therefore, it has been classified as a Variant of Uncertain Significance. This variant has not been reported in the literature in individuals with RAD51C-related disease.

Literature cited by the submitters: PubMed 14704354 (cited by Ambry Genetics); PubMed 37253112 (cited by Ambry Genetics and Myriad Genetics, Inc.); PubMed 37344587 (cited by Ambry Genetics).